The following is an entry in ClinVar:

ClinVar aggregate classification (germline): Uncertain significance. Review status: criteria provided, multiple submitters, no conflicts (2 of 4 stars). 2 submissions from 2 submitters: Uncertain significance (2). Last evaluated 2024-07-26.

Conditions:
STAT3 gain of function. Identifiers: MedGen C4288261.
Hyper-IgE recurrent infection syndrome 1, autosomal dominant. Also called: HYPER-IgE SYNDROME 1, AUTOSOMAL DOMINANT, WITH RECURRENT INFECTIONS; Job's Syndrome; STAT3 Hyper IgE Syndrome; JOB SYNDROME; Hyper-IgE recurrent infection syndrome 1. Identifiers: Orphanet 2314, MedGen C2936739, MONDO:0007818, OMIM 147060.

Allele frequency attached by ClinVar (database versions not stated): TOPMed below 0.00001.

Submissions (2):

Blueprint Genetics
Classification: Uncertain significance. Last evaluated: 2024-07-26. Review status: criteria provided, single submitter. Criteria: ACMG Guidelines, 2015. Collection method: clinical testing. Allele origin: germline.

Labcorp Genetics (formerly Invitae), Labcorp
Classification: Uncertain significance for STAT3 gain of function; Hyper-IgE recurrent infection syndrome 1, autosomal dominant. Last evaluated: 2024-03-29. Review status: criteria provided, single submitter. Criteria: Invitae Variant Classification Sherloc (09022015). Collection method: clinical testing. Allele origin: germline.
Comment: This sequence change creates a premature translational stop signal (p.Arg423*) in the STAT3 gene. It is expected to result in an absent or disrupted protein product. However, the current clinical and genetic evidence is not sufficient to establish whether loss-of-function variants in STAT3 cause disease. This variant is not present in population databases (gnomAD no frequency). This variant has not been reported in the literature in individuals affected with STAT3-related conditions. Algorithms developed to predict the effect of sequence changes on RNA splicing suggest that this variant may disrupt the consensus splice site. In summary, the available evidence is currently insufficient to determine the role of this variant in disease. Therefore, it has been classified as a Variant of Uncertain Significance.

NM_139276.3(STAT3):c.1267C>T (p.Arg423Ter)

Gene: STAT3 (signal transducer and activator of transcription 3; minus strand). Cytogenetic location: 17q21.2.
Variant type: single nucleotide variant.
Coding change: c.1267C>T on transcript NM_139276.3 (MANE Select); coding-DNA position 1267, C replaced by T.
Protein change: p.Arg423Ter; replaces arginine 423 with a stop codon.
Molecular consequence: nonsense.
Genome position (GRCh38, 1-based): chr17:42,329,424, G>A on the plus strand (C>T on the coding strand, the complement: STAT3 is on the minus strand). VCF-style: chr17-42329424-G-A. GRCh37 (hg19) VCF-style: chr17-40481442-G-A.
Other names: c.1267C>T, p.Arg423Ter (NM_001369512.1, NM_001369513.1, NM_001369514.1 and 12 more transcripts); c.1189C>T, p.Arg397Ter (NM_001384985.1); c.1282C>T, p.Arg428Ter (NM_001384986.1, NM_001384990.1); c.1171C>T, p.Arg391Ter (NM_001384989.1); c.1207C>T, p.Arg403Ter (NM_001384992.1); short protein forms R397*, R428*, R403*, R423*, R391*.
Identifiers: ClinVar variation 2935811 (VCV002935811.4), dbSNP rs1290480970, ClinGen allele CA399588445.